The following is an entry in ClinVar:

ClinVar aggregate classification (germline): Likely benign. Review status: criteria provided, multiple submitters, no conflicts (2 of 4 stars). 4 submissions from 4 submitters: Likely benign (2). 2 of the submissions do not count toward it. Last evaluated 2025-09-22.

Conditions:
CYBA-related disorder. Also called: CYBA-related condition.
Chronic granulomatous disease. Identifiers: Orphanet 379, MedGen C0018203, MONDO:0018305.
Granulomatous disease, chronic, autosomal recessive, cytochrome b-negative. Also called: GRANULOMATOUS DISEASE, CHRONIC, AUTOSOMAL RECESSIVE, 4; Chronic granulomatous disease, autosomal, due to deficiency of CYBA; CGD DUE TO DEFICIENCY OF THE ALPHA SUBUNIT OF CYTOCHROME b; CGD, AUTOSOMAL RECESSIVE CYTOCHROME b-NEGATIVE; CYBA DEFICIENCY. Identifiers: Orphanet 379, MedGen C1856255, MONDO:0009308, OMIM 233690.

Allele frequency attached by ClinVar (database versions not stated): TOPMed below 0.00001; gnomAD 0.00001 and 0.00002; gnomAD exomes 0.00001; 1000 Genomes Project 30x 0.00016.
gnomAD v4.1: 10 of 1,613,824 alleles (0.00062%); highest among the groups gnomAD compares: Middle Eastern, 0.016%; no homozygotes.

Submissions (4):

Labcorp Genetics (formerly Invitae), Labcorp
Classification: Likely benign for Granulomatous disease, chronic, autosomal recessive, cytochrome b-negative. Last evaluated: 2025-09-22. Review status: criteria provided, single submitter. Criteria: Invitae Variant Classification Sherloc (09022015). Collection method: clinical testing. Allele origin: germline.

Blueprint Genetics
Classification: Likely benign. Last evaluated: 2024-10-24. Review status: criteria provided, single submitter. Criteria: ACMG Guidelines, 2015. Collection method: clinical testing. Allele origin: germline.

PreventionGenetics, part of Exact Sciences
Classification: Likely benign for CYBA-related condition. Last evaluated: 2022-12-15. Review status: no assertion criteria provided. Collection method: clinical testing. Allele origin: germline. Not counted in ClinVar's aggregate classification.
Comment: This variant is classified as likely benign based on ACMG/AMP sequence variant interpretation guidelines (Richards et al. 2015 PMID: 25741868, with internal and published modifications).

Natera, Inc.
Classification: Uncertain significance for Chronic granulomatous disease. Last evaluated: 2020-08-14. Review status: no assertion criteria provided. Collection method: clinical testing. Allele origin: germline. Not counted in ClinVar's aggregate classification.

NM_000101.4(CYBA):c.273C>T (p.Ala91=)

Gene: CYBA (cytochrome b-245 alpha chain; minus strand). Cytogenetic location: 16q24.2.
Variant type: single nucleotide variant.
Coding change: c.273C>T on transcript NM_000101.4 (MANE Select); coding-DNA position 273, C replaced by T.
Protein change: p.Ala91=; no amino-acid change (alanine 91 retained).
Molecular consequence: synonymous variant.
Genome position (GRCh38, 1-based): chr16:88,646,769, G>A on the plus strand (C>T on the coding strand, the complement: CYBA is on the minus strand). VCF-style: chr16-88646769-G-A. GRCh37 (hg19) VCF-style: chr16-88713177-G-A.
Other names: c.273C>T (NM_000101.3).
Identifiers: ClinVar variation 989977 (VCV000989977.13), dbSNP rs765593188, ClinGen allele CA8228334.